The following is an entry in ClinVar:

NM_182931.3(KMT2E):c.2246C>T (p.Pro749Leu)

Gene: KMT2E (lysine methyltransferase 2E (inactive); plus strand). Cytogenetic location: 7q22.3.
Variant type: single nucleotide variant.
Coding change: c.2246C>T on transcript NM_182931.3 (MANE Select); coding-DNA position 2246, C replaced by T.
Protein change: p.Pro749Leu; replaces proline 749 with leucine.
Molecular consequence: missense variant.
Genome position (GRCh38, 1-based): chr7:105,105,488, C>T. VCF-style: chr7-105105488-C-T. GRCh37 (hg19) VCF-style: chr7-104745935-C-T.
Other names: c.2246C>T, p.Pro749Leu (NM_001410908.1, NM_018682.4); short protein forms P749L.
Identifiers: ClinVar variation 2833755 (VCV002833755.3), dbSNP rs2536502706, ClinGen allele CA368785870.

ClinVar aggregate classification (germline): Uncertain significance (1 of 4 stars; one submission).

Submission:

Labcorp Genetics (formerly Invitae), Labcorp
Classification: Uncertain significance. Last evaluated: 2023-02-01. Review status: criteria provided, single submitter. Criteria: Invitae Variant Classification Sherloc (09022015). Collection method: clinical testing. Allele origin: germline.
Comment: This sequence change replaces proline, which is neutral and non-polar, with leucine, which is neutral and non-polar, at codon 749 of the KMT2E protein (p.Pro749Leu). This variant is not present in population databases (gnomAD no frequency). This variant has not been reported in the literature in individuals affected with KMT2E-related conditions. Advanced modeling of protein sequence and biophysical properties (such as structural, functional, and spatial information, amino acid conservation, physicochemical variation, residue mobility, and thermodynamic stability) performed at Invitae indicates that this missense variant is not expected to disrupt KMT2E protein function. In summary, the available evidence is currently insufficient to determine the role of this variant in disease. Therefore, it has been classified as a Variant of Uncertain Significance.